The following is an entry in ClinVar:

NM_030665.4(RAI1):c.2643C>T (p.Pro881=)

Gene: RAI1 (retinoic acid induced 1; plus strand). Cytogenetic location: 17p11.2.
Variant type: single nucleotide variant.
Coding change: c.2643C>T on transcript NM_030665.4 (MANE Select); coding-DNA position 2643, C replaced by T.
Protein change: p.Pro881=; no amino-acid change (proline 881 retained).
Molecular consequence: synonymous variant.
Genome position (GRCh38, 1-based): chr17:17,795,591, C>T. VCF-style: chr17-17795591-C-T. GRCh37 (hg19) VCF-style: chr17-17698905-C-T.
Other names: c.2643C>T (NM_030665.3).
Identifiers: ClinVar variation 2904231 (VCV002904231.4), dbSNP rs777499304, ClinGen allele CA8418573.

ClinVar aggregate classification (germline): Likely benign. Review status: criteria provided, single submitter (1 of 4 stars). 2 submissions from 2 submitters: Likely benign (1). 1 of the submissions does not count toward it. Last evaluated 2023-01-26.

Conditions:
RAI1-related disorder. Also called: RAI1-related condition.

Allele frequency attached by ClinVar (database versions not stated): gnomAD 0.00002.
gnomAD v4.1: 10 of 1,612,486 alleles (0.00062%); highest among the groups gnomAD compares: South Asian, 0.0033%; 1 homozygote.

Submissions (2):

Labcorp Genetics (formerly Invitae), Labcorp
Classification: Likely benign. Last evaluated: 2023-01-26. Review status: criteria provided, single submitter. Criteria: Invitae Variant Classification Sherloc (09022015). Collection method: clinical testing. Allele origin: germline.

PreventionGenetics, part of Exact Sciences
Classification: Likely benign for RAI1-related condition. Last evaluated: 2022-07-14. Review status: no assertion criteria provided. Collection method: clinical testing. Allele origin: germline. Not counted in ClinVar's aggregate classification.
Comment: This variant is classified as likely benign based on ACMG/AMP sequence variant interpretation guidelines (Richards et al. 2015 PMID: 25741868, with internal and published modifications).